The following is an entry in ClinVar:

NM_001197104.2(KMT2A):c.5942G>T (p.Arg1981Leu)

Gene: KMT2A (lysine methyltransferase 2A; plus strand). Cytogenetic location: 11q23.3.
Variant type: single nucleotide variant.
Coding change: c.5942G>T on transcript NM_001197104.2 (MANE Select); coding-DNA position 5942, G replaced by T.
Protein change: p.Arg1981Leu; replaces arginine 1981 with leucine.
Molecular consequence: missense variant.
Genome position (GRCh38, 1-based): chr11:118,498,509, G>T. VCF-style: chr11-118498509-G-T. GRCh37 (hg19) VCF-style: chr11-118369224-G-T.
Other names: c.6032G>T, p.Arg2011Leu (NM_001412597.1); c.5933G>T, p.Arg1978Leu (NM_005933.4); short protein forms R1978L, R1981L, R2011L.
Identifiers: ClinVar variation 3908063 (VCV003908063.1).

ClinVar aggregate classification (germline): Uncertain significance (1 of 4 stars; one submission).

Submission:

GeneDx
Classification: Uncertain significance. Last evaluated: 2024-12-30. Review status: criteria provided, single submitter. Criteria: GeneDx Variant Classification Process June 2021. Collection method: clinical testing. Allele origin: germline. Affected: yes.
Comment: Not observed at significant frequency in large population cohorts (gnomAD); In silico analysis supports that this missense variant has a deleterious effect on protein structure/function; Has not been previously published as pathogenic or benign to our knowledge